The following is an entry in ClinVar:

NM_022455.5(NSD1):c.1963A>T (p.Ser655Cys)

Gene: NSD1 (nuclear receptor binding SET domain protein 1; plus strand). Cytogenetic location: 5q35.3.
Variant type: single nucleotide variant.
Coding change: c.1963A>T on transcript NM_022455.5 (MANE Select); coding-DNA position 1963, A replaced by T.
Protein change: p.Ser655Cys; replaces serine 655 with cysteine.
Molecular consequence: missense variant.
Genome position (GRCh38, 1-based): chr5:177,210,362, A>T. VCF-style: chr5-177210362-A-T. GRCh37 (hg19) VCF-style: chr5-176637363-A-T.
Other names: c.1090A>T, p.Ser364Cys (NM_001365684.2, NM_001409306.1, NM_001409307.1 and 3 more transcripts); c.1963A>T, p.Ser655Cys (NM_001409301.1, NM_001409302.1, NM_001409303.1); c.1543A>T, p.Ser515Cys (NM_001409304.1); c.1210A>T, p.Ser404Cys (NM_001409305.1); short protein forms S364C, S404C, S515C, S655C.
Identifiers: ClinVar variation 4881128 (VCV004881128.2).

ClinVar aggregate classification (germline): Uncertain significance (1 of 4 stars; one submission).

Conditions:
Sotos syndrome (SOTOS). Also called: CEREBRAL GIGANTISM; Sotos' syndrome; Distinctive facial appearance, overgrowth in childhood, and learning disabilities or delayed development; CHROMOSOME 5q35 DELETION SYNDROME; SOTOS SYNDROME 1. Identifiers: Orphanet 821, MedGen C0175695, MONDO:0019349, OMIM 117550.

Submission:

Dasa
Classification: Uncertain significance for Sotos syndrome. Last evaluated: 2025-08-29. Review status: criteria provided, single submitter. Criteria: DASA Assertion Criteria. Collection method: clinical testing. Allele origin: germline.
Comment: NM_022455.5(NSD1):c.1963A>T (p.Ser655Cys) is a missense variant that results in the substitution of serine with cysteine. This variant is absent from population databases. The currently available literature and clinical evidence are not sufficient to establish a definitive association between this variant and the reported condition. Therefore, this variant is classified as a variant of uncertain significance.